The following is an entry in ClinVar:

ClinVar aggregate classification (germline): Uncertain significance. Review status: criteria provided, multiple submitters, no conflicts (2 of 4 stars). 3 submissions from 3 submitters: Uncertain significance (3). Last evaluated 2025-07-21.

Conditions:
Inborn genetic diseases. Identifiers: MedGen C0950123, MeSH D030342.
Charcot-Marie-Tooth disease. Also called: Charcot-Marie-Tooth Neuropathy; Charcot-Marie-Tooth Hereditary Neuropathy. Identifiers: Orphanet 166, MedGen C0007959, MONDO:0015626.
Neuronopathy, distal hereditary motor, autosomal recessive 5. Also called: Spinal muscular atrophy, distal, autosomal recessive, 5; Young adult-onset distal hereditary motor neuropathy; NEUROPATHY, DISTAL HEREDITARY MOTOR, AUTOSOMAL RECESSIVE 5. Identifiers: Orphanet 314485, Orphanet 443950, MedGen C4749918, MONDO:0013947, OMIM 614881.

Allele frequency attached by ClinVar (database versions not stated): gnomAD exomes 0.00001 and 0.00002; ExAC 0.00003; gnomAD 0.00004 and 0.00005; TOPMed 0.00005.

Submissions (3):

Ambry Genetics
Classification: Uncertain significance for Inborn genetic diseases. Last evaluated: 2025-07-21. Review status: criteria provided, single submitter. Criteria: Ambry Variant Classification Scheme 2023. Collection method: clinical testing. Allele origin: germline.

Labcorp Genetics (formerly Invitae), Labcorp
Classification: Uncertain significance for Neuronopathy, distal hereditary motor, autosomal recessive 5. Last evaluated: 2025-03-10. Review status: criteria provided, single submitter. Criteria: Invitae Variant Classification Sherloc (09022015). Collection method: clinical testing. Allele origin: germline.
Comment: This sequence change replaces proline, which is neutral and non-polar, with leucine, which is neutral and non-polar, at codon 225 of the DNAJB2 protein (p.Pro225Leu). This variant is present in population databases (rs540759977, gnomAD 0.01%). This variant has not been reported in the literature in individuals affected with DNAJB2-related conditions. ClinVar contains an entry for this variant (Variation ID: 647696). Invitae Evidence Modeling of protein sequence and biophysical properties (such as structural, functional, and spatial information, amino acid conservation, physicochemical variation, residue mobility, and thermodynamic stability) indicates that this missense variant is not expected to disrupt DNAJB2 protein function with a negative predictive value of 80%. In summary, the available evidence is currently insufficient to determine the role of this variant in disease. Therefore, it has been classified as a Variant of Uncertain Significance.

Molecular Genetics Laboratory, London Health Sciences Centre
Classification: Uncertain significance for Charcot-Marie-Tooth disease. Review status: criteria provided, single submitter. Criteria: ACMG Guidelines, 2015. Collection method: clinical testing. Allele origin: germline. Affected: yes.

NM_006736.6(DNAJB2):c.674C>T (p.Pro225Leu)

Gene: DNAJB2 (DnaJ heat shock protein family (Hsp40) member B2; plus strand). Cytogenetic location: 2q35.
Variant type: single nucleotide variant.
Coding change: c.674C>T on transcript NM_006736.6 (MANE Select); coding-DNA position 674, C replaced by T.
Protein change: p.Pro225Leu; replaces proline 225 with leucine.
Molecular consequence: missense variant.
Genome position (GRCh38, 1-based): chr2:219,284,686, C>T. VCF-style: chr2-219284686-C-T. GRCh37 (hg19) VCF-style: chr2-220149408-C-T.
Other names: c.674C>T, p.Pro225Leu (NM_001039550.2); short protein forms P225L.
Identifiers: ClinVar variation 647696 (VCV000647696.11), dbSNP rs540759977, ClinGen allele CA2123079.